The following is an entry in ClinVar:

ClinVar aggregate classification (germline): Uncertain significance. Review status: criteria provided, multiple submitters, no conflicts (2 of 4 stars). 2 submissions from 2 submitters: Uncertain significance (2). Last evaluated 2025-03-28.

Conditions:
Hereditary breast ovarian cancer syndrome. Also called: Hereditary breast and/or ovarian cancer syndrome; Hereditary breast and ovarian cancer syndrome; Hereditary breast and ovarian cancer; Hereditary breast and ovarian cancer syndrome (HBOC); Breast and ovarian cancer; BRCA1- and BRCA2-Associated Hereditary Breast and Ovarian Cancer. Identifiers: Orphanet 145, MedGen C0677776, MeSH D061325, MONDO:0003582. Disease mechanism: loss of function.
Hereditary cancer-predisposing syndrome. Also called: Hereditary neoplastic syndrome; Neoplastic Syndromes, Hereditary; Tumor predisposition; Hereditary Cancer Syndrome. Identifiers: Orphanet 140162, MedGen C0027672, MeSH D009386, MONDO:0015356.

Submissions (2):

Ambry Genetics
Classification: Uncertain significance for Hereditary cancer-predisposing syndrome. Last evaluated: 2025-03-28. Review status: criteria provided, single submitter. Criteria: Ambry Variant Classification Scheme 2023. Collection method: clinical testing. Allele origin: germline.
Comment: The p.Y2997F variant (also known as c.8990A>T), located in coding exon 22 of the BRCA2 gene, results from an A to T substitution at nucleotide position 8990. The tyrosine at codon 2997 is replaced by phenylalanine, an amino acid with highly similar properties. This amino acid position is conserved. In addition, this alteration is predicted to be tolerated by in silico analysis. Based on the available evidence, the clinical significance of this variant remains unclear.

Labcorp Genetics (formerly Invitae), Labcorp
Classification: Uncertain significance for Hereditary breast ovarian cancer syndrome. Last evaluated: 2019-10-08. Review status: criteria provided, single submitter. Criteria: Invitae Variant Classification Sherloc (09022015). Collection method: clinical testing. Allele origin: germline.
Comment: In summary, the available evidence is currently insufficient to determine the role of this variant in disease. Therefore, it has been classified as a Variant of Uncertain Significance. Algorithms developed to predict the effect of missense changes on protein structure and function (SIFT, PolyPhen-2, Align-GVGD) all suggest that this variant is likely to be tolerated, but these predictions have not been confirmed by published functional studies and their clinical significance is uncertain. This variant has not been reported in the literature in individuals with BRCA2-related conditions. This variant is not present in population databases (ExAC no frequency). This sequence change replaces tyrosine with phenylalanine at codon 2997 of the BRCA2 protein (p.Tyr2997Phe). The tyrosine residue is weakly conserved and there is a small physicochemical difference between tyrosine and phenylalanine.

NM_000059.4(BRCA2):c.8990A>T (p.Tyr2997Phe)

Gene: BRCA2 (BRCA2 DNA repair associated; plus strand). Cytogenetic location: 13q13.1.
Variant type: single nucleotide variant.
Coding change: c.8990A>T on transcript NM_000059.4 (MANE Select); coding-DNA position 8990, A replaced by T.
Protein change: p.Tyr2997Phe; replaces tyrosine 2997 with phenylalanine.
Molecular consequence: missense variant.
Genome position (GRCh38, 1-based): chr13:32,379,786, A>T. VCF-style: chr13-32379786-A-T. GRCh37 (hg19) VCF-style: chr13-32953923-A-T.
Other names: short protein forms Y2997F.
Identifiers: ClinVar variation 939813 (VCV000939813.8), dbSNP rs770449225, ClinGen allele CA387757427.